The following is an entry in ClinVar:

NM_032590.5(KDM2B):c.2724C>T (p.Asp908=)

Gene: KDM2B (lysine demethylase 2B; minus strand). Cytogenetic location: 12q24.31.
Variant type: single nucleotide variant.
Coding change: c.2724C>T on transcript NM_032590.5 (MANE Select); coding-DNA position 2724, C replaced by T.
Protein change: p.Asp908=; no amino-acid change (aspartic acid 908 retained).
Molecular consequence: synonymous variant.
Genome position (GRCh38, 1-based): chr12:121,442,717, G>A on the plus strand (C>T on the coding strand, the complement: KDM2B is on the minus strand). VCF-style: chr12-121442717-G-A. GRCh37 (hg19) VCF-style: chr12-121880520-G-A.
Other names: c.2517C>T, p.Asp839= (NM_001005366.2).
Identifiers: ClinVar variation 3059651 (VCV003059651.2), dbSNP rs3751131, ClinGen allele CA6836406.
Genomic context (GRCh38, chr12:121,442,717, plus strand): 5'-CTCCGGGCCCTCGGCCCCTTCGGTGCTGGGTCCCGCGGTGGGGGAGCTGGAGCGGGAGTG[G>A]TCGCTCTCCCTGGTCTTGGGGGGCGCCTCGGGCAGTTCGTCCTCGGGTTCCTGCTTGAAG-3'
Protein context (NP_115979.3, residues 898-918): PEAPPKTRES[Asp908=]HSRSSSPTAG

ClinVar aggregate classification (germline): Benign (0 of 4 stars; one submission).

Conditions:
KDM2B-related disorder. Also called: KDM2B-related condition.

Allele frequency attached by ClinVar (database versions not stated): ESP Exome Variant Server 0.31740; TOPMed 0.32942; 1000 Genomes Project 30x 0.33073; 1000 Genomes Project 0.33446; gnomAD 0.34324; gnomAD exomes 0.38870; ExAC 0.41258.
gnomAD v4.1: 602,298 of 1,568,558 alleles (38%); highest among the groups gnomAD compares: Admixed American, 44%; 118,763 homozygotes.

Submission:

PreventionGenetics, part of Exact Sciences
Classification: Benign for KDM2B-related condition. Last evaluated: 2023-09-19. Review status: no assertion criteria provided. Collection method: clinical testing. Allele origin: germline.
Comment: This variant is classified as benign based on ACMG/AMP sequence variant interpretation guidelines (Richards et al. 2015 PMID: 25741868, with internal and published modifications).